The following is an entry in ClinVar:

ClinVar aggregate classification (germline): Pathogenic/Likely pathogenic. Review status: criteria provided, multiple submitters, no conflicts (2 of 4 stars). 2 submissions from 2 submitters: Pathogenic (1); Likely pathogenic (1). Last evaluated 2021-08-07.

Conditions:
Cardiovascular phenotype. Identifiers: MedGen CN230736.
Arrhythmogenic right ventricular dysplasia 8 (ARVD8). Also called: Arrhythmogenic Right Ventricular Dysplasia/Cardiomyopathy 8; ARRHYTHMOGENIC RIGHT VENTRICULAR DYSPLASIA, FAMILIAL, 8; ARRHYTHMOGENIC RIGHT VENTRICULAR CARDIOMYOPATHY 8. Identifiers: MedGen C1843896, MONDO:0011831, OMIM 607450.
Arrhythmogenic cardiomyopathy with wooly hair and keratoderma. Also called: Carvajal syndrome; PALMOPLANTAR KERATODERMA WITH LEFT VENTRICULAR CARDIOMYOPATHY AND WOOLLY HAIR; Arrhythmogenic cardiomyopathy with woolly hair and keratoderma; Dilated cardiomyopathy with woolly hair and keratoderma. Identifiers: Orphanet 65282, MedGen C1854063, MONDO:0011581, OMIM 605676.

Submissions (2):

Labcorp Genetics (formerly Invitae), Labcorp
Classification: Pathogenic for Arrhythmogenic cardiomyopathy with wooly hair and keratoderma; Arrhythmogenic right ventricular dysplasia 8. Last evaluated: 2021-08-07. Review status: criteria provided, single submitter. Criteria: Invitae Variant Classification Sherloc (09022015). Collection method: clinical testing. Allele origin: germline.
Comment: For these reasons, this variant has been classified as Pathogenic. ClinVar contains an entry for this variant (Variation ID: 684828). This variant has not been reported in the literature in individuals affected with DSP-related conditions. This variant is not present in population databases (ExAC no frequency). This sequence change creates a premature translational stop signal (p.Gln1156*) in the DSP gene. It is expected to result in an absent or disrupted protein product. Loss-of-function variants in DSP are known to be pathogenic (PMID: 20716751, 24503780, 25227139).

Molecular Diagnostic Laboratory for Inherited Cardiovascular Disease, Montreal Heart Institute
Classification: Likely pathogenic for Cardiovascular phenotype. Last evaluated: 2020-11-06. Review status: criteria provided, single submitter. Criteria: ACMG Guidelines, 2015. Collection method: clinical testing. Allele origin: germline. Affected: yes.

Literature cited by the submitters: PubMed 20716751 (cited by Labcorp Genetics (formerly Invitae), Labcorp); PubMed 24503780 (cited by Labcorp Genetics (formerly Invitae), Labcorp); PubMed 25227139 (cited by Labcorp Genetics (formerly Invitae), Labcorp).

NM_004415.4(DSP):c.3466C>T (p.Gln1156Ter)

Gene: DSP (desmoplakin; plus strand). Cytogenetic location: 6p24.3.
Variant type: single nucleotide variant.
Coding change: c.3466C>T on transcript NM_004415.4 (MANE Select); coding-DNA position 3466, C replaced by T.
Protein change: p.Gln1156Ter; replaces glutamine 1156 with a stop codon.
Molecular consequence: nonsense.
Genome position (GRCh38, 1-based): chr6:7,579,656, C>T. VCF-style: chr6-7579656-C-T. GRCh37 (hg19) VCF-style: chr6-7579889-C-T.
Other names: c.3466C>T, p.Gln1156Ter (NM_001008844.3, NM_001319034.2); short protein forms Q1156*.
Identifiers: ClinVar variation 684828 (VCV000684828.9), dbSNP rs1581815654, ClinGen allele CA362684123.